The following is an entry in ClinVar:

NM_006361.6(HOXB13):c.370C>A (p.Pro124Thr)

Gene: HOXB13 (homeobox B13; minus strand). Cytogenetic location: 17q21.32.
Variant type: single nucleotide variant.
Coding change: c.370C>A on transcript NM_006361.6 (MANE Select); coding-DNA position 370, C replaced by A.
Protein change: p.Pro124Thr; replaces proline 124 with threonine.
Molecular consequence: missense variant.
Genome position (GRCh38, 1-based): chr17:48,728,224, G>T on the plus strand (C>A on the coding strand, the complement: HOXB13 is on the minus strand). VCF-style: chr17-48728224-G-T. GRCh37 (hg19) VCF-style: chr17-46805586-G-T.
Other names: short protein forms P124T.
Identifiers: ClinVar variation 3659055 (VCV003659055.2).

ClinVar aggregate classification (germline): Uncertain significance (1 of 4 stars; one submission).

Submission:

Labcorp Genetics (formerly Invitae), Labcorp
Classification: Uncertain significance. Last evaluated: 2024-07-09. Review status: criteria provided, single submitter. Criteria: Invitae Variant Classification Sherloc (09022015). Collection method: clinical testing. Allele origin: germline.
Comment: This sequence change replaces proline, which is neutral and non-polar, with threonine, which is neutral and polar, at codon 124 of the HOXB13 protein (p.Pro124Thr). This variant is not present in population databases (gnomAD no frequency). This variant has not been reported in the literature in individuals affected with HOXB13-related conditions. Advanced modeling of protein sequence and biophysical properties (such as structural, functional, and spatial information, amino acid conservation, physicochemical variation, residue mobility, and thermodynamic stability) performed at Invitae indicates that this missense variant is not expected to disrupt HOXB13 protein function with a negative predictive value of 80%. In summary, the available evidence is currently insufficient to determine the role of this variant in disease. Therefore, it has been classified as a Variant of Uncertain Significance.